The following is an entry in ClinVar:

NM_002291.3(LAMB1):c.2506G>A (p.Val836Ile)

Gene: LAMB1 (laminin subunit beta 1; minus strand). Cytogenetic location: 7q31.1.
Variant type: single nucleotide variant.
Coding change: c.2506G>A on transcript NM_002291.3 (MANE Select); coding-DNA position 2506, G replaced by A.
Protein change: p.Val836Ile; replaces valine 836 with isoleucine.
Molecular consequence: missense variant.
Genome position (GRCh38, 1-based): chr7:107,959,433, C>T on the plus strand (G>A on the coding strand, the complement: LAMB1 is on the minus strand). VCF-style: chr7-107959433-C-T. GRCh37 (hg19) VCF-style: chr7-107599878-C-T.
Other names: short protein forms V836I.
Identifiers: ClinVar variation 4697912 (VCV004697912.1).

ClinVar aggregate classification (germline): Uncertain significance (1 of 4 stars; one submission).

gnomAD v4.1: 26 of 1,614,038 alleles (0.0016%); highest among the groups gnomAD compares: African/African-American, 0.011%; no homozygotes.

Submission:

Labcorp Genetics (formerly Invitae), Labcorp
Classification: Uncertain significance. Last evaluated: 2025-11-24. Review status: criteria provided, single submitter. Criteria: Invitae Variant Classification Sherloc (09022015). Collection method: clinical testing. Allele origin: germline.
Comment: This sequence change replaces valine, which is neutral and non-polar, with isoleucine, which is neutral and non-polar, at codon 836 of the LAMB1 protein (p.Val836Ile). This variant is present in population databases (rs760673566, gnomAD 0.009%). This variant has not been reported in the literature in individuals affected with LAMB1-related conditions. An algorithm developed to predict the effect of missense changes on protein structure and function outputs the following: PolyPhen-2: "Benign". The isoleucine amino acid residue is found in multiple mammalian species, which suggests that this missense change does not adversely affect protein function. In summary, the available evidence is currently insufficient to determine the role of this variant in disease. Therefore, it has been classified as a Variant of Uncertain Significance.